The following is an entry in ClinVar:

NM_001111.5(ADAR):c.749C>T (p.Ala250Val)

Gene: ADAR (adenosine deaminase RNA specific; minus strand). Cytogenetic location: 1q21.3.
Variant type: single nucleotide variant.
Coding change: c.749C>T on transcript NM_001111.5 (MANE Select); coding-DNA position 749, C replaced by T.
Protein change: p.Ala250Val; replaces alanine 250 with valine.
Molecular consequence: missense variant. On other transcripts: 5 prime UTR variant (6).
Genome position (GRCh38, 1-based): chr1:154,601,893, G>A on the plus strand (C>T on the coding strand, the complement: ADAR is on the minus strand). VCF-style: chr1-154601893-G-A. GRCh37 (hg19) VCF-style: chr1-154574369-G-A.
Other names: c.-137C>T (NM_001025107.3, NM_001193495.2, NM_001365046.1 and 3 more transcripts); c.776C>T, p.Ala259Val (NM_001365045.1); c.749C>T, p.Ala250Val (NM_015840.4, NM_015841.4); short protein forms A250V, A259V.
Identifiers: ClinVar variation 2016328 (VCV002016328.4), dbSNP rs1697903601, ClinGen allele CA342600164.
Genomic context (GRCh38, chr1:154,601,893, plus strand): 5'-GGGGATCCTTGGCTATGACTGTCTGGTCTTACCACTCCGCTGTGCTGGTTCCAAGCCTGA[G>A]CTGAGACTGCAATAAAAGGCTCAAGAAGATCTTCTGAGACAGATGTGGAGTTTCTGTCTT-3'
Protein context (NP_001102.3, residues 240-260): DLLEPFIAVS[Ala250Val]QAWNQHSGVV

ClinVar aggregate classification (germline): Uncertain significance (1 of 4 stars; one submission).

Conditions:
Symmetrical dyschromatosis of extremities (DSH). Also called: SYMMETRIC DYSCHROMATOSIS OF THE EXTREMITIES; RETICULATE ACROPIGMENTATION OF DOHI; Dyschromatosis symmetrica hereditaria; DYSCHROMATOSIS SYMMETRICA HEREDITARIA 1. Identifiers: Orphanet 41, MedGen C0406775, MONDO:0007483, OMIM 127400.
Aicardi-Goutieres syndrome 6 (AGS6). Identifiers: Orphanet 51, MedGen C3539013, MONDO:0014007, OMIM 615010.

Allele frequency attached by ClinVar (database versions not stated): TOPMed below 0.00001; gnomAD 0.00001.

Submission:

Labcorp Genetics (formerly Invitae), Labcorp
Classification: Uncertain significance for Aicardi-Goutieres syndrome 6; Symmetrical dyschromatosis of extremities. Last evaluated: 2023-07-17. Review status: criteria provided, single submitter. Criteria: Invitae Variant Classification Sherloc (09022015). Collection method: clinical testing. Allele origin: germline.
Comment: ClinVar contains an entry for this variant (Variation ID: 2016328). This variant has not been reported in the literature in individuals affected with ADAR-related conditions. This variant is not present in population databases (gnomAD no frequency). This sequence change replaces alanine, which is neutral and non-polar, with valine, which is neutral and non-polar, at codon 250 of the ADAR protein (p.Ala250Val). In summary, the available evidence is currently insufficient to determine the role of this variant in disease. Therefore, it has been classified as a Variant of Uncertain Significance. Algorithms developed to predict the effect of missense changes on protein structure and function output the following: SIFT: "Not Available"; PolyPhen-2: "Not Available"; Align-GVGD: "Not Available". The valine amino acid residue is found in multiple mammalian species, which suggests that this missense change does not adversely affect protein function.